The following is an entry in ClinVar:

ClinVar aggregate classification (germline): Uncertain significance (1 of 4 stars; one submission).

Submission:

GeneDx
Classification: Uncertain significance. Last evaluated: 2022-01-31. Review status: criteria provided, single submitter. Criteria: GeneDx Variant Classification Process June 2021. Collection method: clinical testing. Allele origin: germline. Affected: yes.
Comment: Not observed at significant frequency in large population cohorts (gnomAD); In silico analysis supports that this missense variant does not alter protein structure/function; Has not been previously published as pathogenic or benign to our knowledge; Occurs in the triple helical domain at the X position in the canonical Gly-X-Y repeat; although this variant may have an effect on normal protein folding and function, missense substitution at the X position is not a common mechanism of disease

NM_033380.3(COL4A5):c.812C>G (p.Pro271Arg)

Gene: COL4A5 (collagen type IV alpha 5 chain; plus strand). Cytogenetic location: Xq22.3.
Variant type: single nucleotide variant.
Coding change: c.812C>G on transcript NM_033380.3 (MANE Select); coding-DNA position 812, C replaced by G.
Protein change: p.Pro271Arg; replaces proline 271 with arginine.
Molecular consequence: missense variant.
Genome position (GRCh38, 1-based): chrX:108,580,564, C>G. VCF-style: chrX-108580564-C-G. GRCh37 (hg19) VCF-style: chrX-107823794-C-G.
Other names: c.812C>G, p.Pro271Arg (NM_000495.5); short protein forms P271R.
Identifiers: ClinVar variation 1699661 (VCV001699661.2), dbSNP rs2147776169, ClinGen allele CA413925754.